The following is an entry in ClinVar:

ClinVar aggregate classification (germline): Benign/Likely benign. Review status: criteria provided, multiple submitters, no conflicts (2 of 4 stars). 15 submissions from 15 submitters: Benign (5); Likely benign (6). 4 of the submissions do not count toward it. Last evaluated 2026-08-01.

Conditions:
Self-limited epilepsy with centrotemporal spikes. Also called: Childhood epilepsy with centrotemporal spikes; Rolandic epilepsy. Identifiers: Orphanet 1945, MedGen C0376532, MONDO:0007295.
Familial focal epilepsy with variable foci (FPEVF). Identifiers: Orphanet 98820, MedGen C1858477, MONDO:0020310.
DEPDC5-related disorder. Also called: DEPDC5-related condition; DEPDC5-related related disorder.
Inborn genetic diseases. Identifiers: MedGen C0950123, MeSH D030342.
Epilepsy, familial focal, with variable foci 1 (FFEVF1). Also called: DEPDC5-Related Epilepsy. Identifiers: MedGen C4551983, MONDO:0024556, OMIM 604364.

Allele frequency attached by ClinVar (database versions not stated): ExAC 0.00246; ESP Exome Variant Server 0.00196; gnomAD 0.00218 and 0.00190; gnomAD exomes 0.00218; 1000 Genomes Project 30x 0.00094; 1000 Genomes Project 0.00100; TOPMed 0.00167.
gnomAD v4.1: 4,074 of 1,614,050 alleles (0.25%); highest among the groups gnomAD compares: Non-Finnish European, 0.28%; 8 homozygotes.

Submissions (15):

CeGaT Center for Human Genetics Tuebingen
Classification: Likely benign. Last evaluated: 2026-08-01. Review status: criteria provided, single submitter. Criteria: CeGaT Center For Human Genetics Tuebingen Variant Classification Criteria Version 2. Collection method: clinical testing. Allele origin: germline. Affected: yes. Observed: 11 variant alleles.
Comment: DEPDC5: BP4

Labcorp Genetics (formerly Invitae), Labcorp
Classification: Benign for Familial focal epilepsy with variable foci. Last evaluated: 2026-02-03. Review status: criteria provided, single submitter. Criteria: Invitae Variant Classification Sherloc (09022015). Collection method: clinical testing. Allele origin: germline.

Blueprint Genetics
Classification: Likely benign. Last evaluated: 2024-11-27. Review status: criteria provided, single submitter. Criteria: ACMG Guidelines, 2015. Collection method: clinical testing. Allele origin: germline.

Athena Diagnostics
Classification: Benign. Last evaluated: 2024-11-11. Review status: criteria provided, single submitter. Criteria: Athena Diagnostics Criteria. Collection method: clinical testing. Allele origin: unknown.

Genome-Nilou Lab
Classification: Benign for Epilepsy, familial focal, with variable foci 1. Last evaluated: 2021-11-07. Review status: criteria provided, single submitter. Criteria: ACMG Guidelines, 2015. Collection method: clinical testing. Allele origin: germline. Affected: no.

Mendelics
Classification: Likely benign for Epilepsy, familial focal, with variable foci 1. Last evaluated: 2019-05-28. Review status: criteria provided, single submitter. Criteria: Mendelics Assertion Criteria 2017. Collection method: clinical testing. Allele origin: unknown.

Institute of Human Genetics, University of Leipzig Medical Center
Classification: Likely benign for Epilepsy, familial focal, with variable foci 1. Last evaluated: 2019-01-01. Review status: criteria provided, single submitter. Criteria: ACMG Guidelines, 2015. Collection method: clinical testing. Allele origin: unknown. Affected: yes.

GeneDx
Classification: Benign. Last evaluated: 2018-09-26. Review status: criteria provided, single submitter. Criteria: GeneDx Variant Classification Process June 2021. Collection method: clinical testing. Allele origin: germline. Affected: yes.

Center for Pediatric Genomic Medicine, Children's Mercy Hospital and Clinics
Classification: Likely benign. Last evaluated: 2017-06-29. Review status: criteria provided, single submitter. Criteria: ACMG Guidelines, 2015. Collection method: clinical testing. Allele origin: germline.

Ambry Genetics
Classification: Benign for Inborn genetic diseases. Last evaluated: 2016-10-24. Review status: criteria provided, single submitter. Criteria: Ambry Variant Classification Scheme 2023. Collection method: clinical testing. Allele origin: germline.

Breakthrough Genomics
Classification: Likely benign. Review status: criteria provided, single submitter. Criteria: ACMG Guidelines, 2015. Collection method: not provided. Allele origin: germline. Inheritance: Autosomal dominant inheritance. Affected: yes.

PreventionGenetics, part of Exact Sciences
Classification: Likely benign for DEPDC5-related condition. Last evaluated: 2020-02-05. Review status: no assertion criteria provided. Collection method: clinical testing. Allele origin: germline. Not counted in ClinVar's aggregate classification.
Comment: This variant is classified as likely benign based on ACMG/AMP sequence variant interpretation guidelines (Richards et al. 2015 PMID: 25741868, with internal and published modifications).

Diagnostic Laboratory, Department of Genetics, University Medical Center Groningen
Classification: Likely benign. Review status: no assertion criteria provided. Collection method: clinical testing. Allele origin: germline. Affected: yes. Study: VKGL Data-share Consensus. Not counted in ClinVar's aggregate classification.

Genome Diagnostics Laboratory, University Medical Center Utrecht
Classification: Likely benign. Review status: no assertion criteria provided. Collection method: clinical testing. Allele origin: germline. Affected: yes. Study: VKGL Data-share Consensus. Not counted in ClinVar's aggregate classification.

Bioinformatics Core, Luxembourg Center for Systems Biomedicine
Classification: Pathogenic for Self-limited epilepsy with centrotemporal spikes. Last evaluated: 2017-01-01. Review status: flagged submission. Collection method: case-control. Allele origin: germline. Affected: yes. Study: EUROEPINOMICS COGIE. Not counted in ClinVar's aggregate classification.
Comment: CAADphred>15
ClinVar note: Reason: Outlier claim with insufficient supporting evidence

Literature cited by the submitters: PubMed 29358611 (cited by Athena Diagnostics and Bioinformatics Core, Luxembourg Center for Systems Biomedicine).

NM_001242896.3(DEPDC5):c.2020C>T (p.Arg674Cys)

Gene: DEPDC5 (DEP domain containing 5, GATOR1 subcomplex subunit; plus strand). Cytogenetic location: 22q12.3.
Variant type: single nucleotide variant.
Coding change: c.2020C>T on transcript NM_001242896.3 (MANE Select); coding-DNA position 2020, C replaced by T.
Protein change: p.Arg674Cys; replaces arginine 674 with cysteine.
Molecular consequence: missense variant. On other transcripts: non-coding transcript variant (4), intron variant (3).
Genome position (GRCh38, 1-based): chr22:31,822,706, C>T. VCF-style: chr22-31822706-C-T. GRCh37 (hg19) VCF-style: chr22-32218692-C-T.
Other names: c.2020C>T, p.Arg674Cys (NM_001136029.4, NM_001363852.2, NM_001364318.2 and 3 more transcripts); c.1936C>T, p.Arg646Cys (NM_001369901.1, NM_001369902.1); c.1870+3481C>T (NM_001363854.2, NM_001242897.2, NM_001364319.2); short protein forms R674C, R646C.
Identifiers: ClinVar variation 238673 (VCV000238673.57), dbSNP rs181347577, ClinGen allele CA10196543.